The following is an entry in ClinVar:

NM_000410.4(HFE):c.546C>A (p.Tyr182Ter)

Gene: HFE (homeostatic iron regulator; plus strand). Cytogenetic location: 6p22.2.
Variant type: single nucleotide variant.
Coding change: c.546C>A on transcript NM_000410.4 (MANE Select); coding-DNA position 546, C replaced by A.
Protein change: p.Tyr182Ter; replaces tyrosine 182 with a stop codon.
Molecular consequence: nonsense. On other transcripts: intron variant (4).
Genome position (GRCh38, 1-based): chr6:26,091,519, C>A. VCF-style: chr6-26091519-C-A. GRCh37 (hg19) VCF-style: chr6-26091747-C-A.
Other names: c.546C>A, p.Tyr182Ter (NM_001300749.3, NM_001384164.1, NM_001406751.1 and 1 more transcripts); c.282C>A, p.Tyr94Ter (NM_001406752.1, NM_139007.3, NM_139008.3); c.477C>A, p.Tyr159Ter (NM_139009.3); c.340+415C>A (NM_139004.3, NM_139003.3); c.77-1166C>A (NM_139010.3); c.77-1600C>A (NM_139011.3); short protein forms Y182*, Y94*, Y159*.
Identifiers: ClinVar variation 2803829 (VCV002803829.3), dbSNP rs984544092, ClinGen allele CA136292117.

ClinVar aggregate classification (germline): Pathogenic (1 of 4 stars; one submission).

Conditions:
Hereditary hemochromatosis (HFE). Identifiers: MedGen C0392514, MONDO:0006507. Disease mechanism: loss of function.

Allele frequency attached by ClinVar (database versions not stated): gnomAD exomes below 0.00001; TOPMed below 0.00001.
gnomAD v4.1: 5 of 1,614,096 alleles (0.00031%); highest among the groups gnomAD compares: Non-Finnish European, 0.00034%; no homozygotes.

Submission:

Labcorp Genetics (formerly Invitae), Labcorp
Classification: Pathogenic for Hereditary hemochromatosis. Last evaluated: 2023-09-10. Review status: criteria provided, single submitter. Criteria: Invitae Variant Classification Sherloc (09022015). Collection method: clinical testing. Allele origin: germline.
Comment: This sequence change creates a premature translational stop signal (p.Tyr182*) in the HFE gene. It is expected to result in an absent or disrupted protein product. Loss-of-function variants in HFE are known to be pathogenic (PMID: 27518069). For these reasons, this variant has been classified as Pathogenic. This variant has not been reported in the literature in individuals affected with HFE-related conditions. This variant is present in population databases (no rsID available, gnomAD 0.0009%).

Literature cited by the submitters: PubMed 27518069.